The following is an entry in ClinVar:

NM_001267550.2(TTN):c.3083G>T (p.Cys1028Phe)

Gene: TTN (titin; minus strand). Cytogenetic location: 2q31.2.
Variant type: single nucleotide variant.
Coding change: c.3083G>T on transcript NM_001267550.2 (MANE Select); coding-DNA position 3083, G replaced by T.
Protein change: p.Cys1028Phe; replaces cysteine 1028 with phenylalanine.
Molecular consequence: missense variant.
Genome position (GRCh38, 1-based): chr2:178,782,823, C>A on the plus strand (G>T on the coding strand, the complement: TTN is on the minus strand). VCF-style: chr2-178782823-C-A. GRCh37 (hg19) VCF-style: chr2-179647550-C-A.
Other names: c.3083G>T, p.Cys1028Phe (NM_001256850.1, NM_133378.4, NM_133379.5); c.2945G>T, p.Cys982Phe (NM_003319.4, NM_133432.3, NM_133437.4); short protein forms C1028F, C982F.
Identifiers: ClinVar variation 3251205 (VCV003251205.18), dbSNP rs767205822.

ClinVar aggregate classification (germline): Uncertain significance (1 of 4 stars; one submission).

Allele frequency attached by ClinVar (database versions not stated): gnomAD 0.00001.
gnomAD v4.1: 1 of 1,612,992 alleles (0.000062%); highest among the groups gnomAD compares: Non-Finnish European, 0.000085%; no homozygotes.

Submission:

CeGaT Center for Human Genetics Tuebingen
Classification: Uncertain significance. Last evaluated: 2024-07-01. Review status: criteria provided, single submitter. Criteria: CeGaT Center For Human Genetics Tuebingen Variant Classification Criteria Version 2. Collection method: clinical testing. Allele origin: germline. Affected: yes. Observed: 1 variant allele.
Comment: TTN: PM2, PS4:Supporting